The following is an entry in ClinVar:

NM_152416.4(NDUFAF6):c.756T>G (p.Asp252Glu)

Gene: NDUFAF6 (NADH:ubiquinone oxidoreductase complex assembly factor 6; plus strand). Cytogenetic location: 8q22.1.
Variant type: single nucleotide variant.
Coding change: c.756T>G on transcript NM_152416.4 (MANE Select); coding-DNA position 756, T replaced by G.
Protein change: p.Asp252Glu; replaces aspartic acid 252 with glutamic acid.
Molecular consequence: missense variant. On other transcripts: non-coding transcript variant (6).
Genome position (GRCh38, 1-based): chr8:95,048,498, T>G. VCF-style: chr8-95048498-T-G. GRCh37 (hg19) VCF-style: chr8-96060726-T-G.
Other names: c.480T>G, p.Asp160Glu (NM_001330582.2, NM_001354514.2, NM_001354515.2 and 1 more transcripts); c.600T>G, p.Asp200Glu (NM_001354516.2); c.423T>G, p.Asp141Glu (NM_001354517.2, NM_001354518.2, NM_001354519.2 and 1 more transcripts); c.300T>G, p.Asp100Glu (NM_001354522.2, NM_001354524.2, NM_001354525.2 and 7 more transcripts); short protein forms D100E, D141E, D160E, D200E, D252E.
Identifiers: ClinVar variation 3906297 (VCV003906297.1).

ClinVar aggregate classification (germline): Uncertain significance (1 of 4 stars; one submission).

Submission:

GeneDx
Classification: Uncertain significance. Last evaluated: 2024-12-20. Review status: criteria provided, single submitter. Criteria: GeneDx Variant Classification Process June 2021. Collection method: clinical testing. Allele origin: germline. Affected: yes.
Comment: Not observed at significant frequency in large population cohorts (gnomAD); In silico analysis indicates that this missense variant does not alter protein structure/function; Has not been previously published as pathogenic or benign to our knowledge